The following is an entry in ClinVar:

NM_000180.4(GUCY2D):c.1081G>A (p.Val361Met)

Gene: GUCY2D (guanylate cyclase 2D, retinal; plus strand). Cytogenetic location: 17p13.1.
Variant type: single nucleotide variant.
Coding change: c.1081G>A on transcript NM_000180.4 (MANE Select); coding-DNA position 1081, G replaced by A.
Protein change: p.Val361Met; replaces valine 361 with methionine.
Molecular consequence: missense variant.
Genome position (GRCh38, 1-based): chr17:8,006,417, G>A. VCF-style: chr17-8006417-G-A. GRCh37 (hg19) VCF-style: chr17-7909735-G-A.
Other names: NM_000180.4(GUCY2D):c.1081G>A; p.Val361Met; short protein forms V361M.
Identifiers: ClinVar variation 851209 (VCV000851209.11), dbSNP rs186508466, ClinGen allele CA8365647.

ClinVar aggregate classification (germline): Likely benign. Review status: reviewed by expert panel (3 of 4 stars). 7 submissions from 7 submitters: Likely benign (1). 6 of the submissions do not count toward it. Last evaluated 2025-01-30.

Conditions:
GUCY2D-related disorder. Also called: GUCY2D-related condition.
Leber congenital amaurosis 1 (LCA1). Also called: AMAUROSIS CONGENITA OF LEBER I; Congenital absence of the rods and cones; Leber's congenital tapetoretinal degeneration; Leber's congenital tapetoretinal dysplasia; RETINAL BLINDNESS, CONGENITAL. Identifiers: Orphanet 65, MedGen C2931258, MONDO:0008764, OMIM 204000.
Cone-rod dystrophy 6 (CORD6). Also called: Cone dystrophy progressive; RETINAL CONE DYSTROPHY 2. Identifiers: Orphanet 1872, MedGen C1866293, MONDO:0011143, OMIM 601777.
Choroidal dystrophy, central areolar, 1. Identifiers: Orphanet 75377, MedGen C4551884, MONDO:0024539, OMIM 215500.
Night blindness, congenital stationary, type1i. Also called: NIGHT BLINDNESS, CONGENITAL STATIONARY, TYPE 1I. Identifiers: MedGen C5231408, MONDO:0032811, OMIM 618555.
GUCY2D-related recessive retinopathy. Also called: Recessive GUCY2D retinopathy. Identifiers: MedGen CN305603, MONDO:0100453.

Allele frequency attached by ClinVar (database versions not stated): 1000 Genomes Project 0.00020; 1000 Genomes Project 30x 0.00031; gnomAD exomes 0.00043 and 0.00051; ExAC 0.00044; ESP Exome Variant Server 0.00046; gnomAD 0.00054 and 0.00057; TOPMed 0.00058.
gnomAD v4.1: 815 of 1,602,704 alleles (0.051%); highest among the groups gnomAD compares: Non-Finnish European, 0.062%; no homozygotes.

Submissions (7):

ClinGen Leber Congenital Amaurosis/early Onset Retinal Dystrophy Variant Curation Expert Panel, ClinGen
Classification: Likely benign for GUCY2D-related recessive retinopathy. Last evaluated: 2025-01-30. Review status: reviewed by expert panel. Criteria: ClinGen LCAeoRD ACMG Specifications GUCY2D V1.0.0. Collection method: curation. Allele origin: germline. Inheritance: Autosomal recessive inheritance.
Comment: The NM_000180.4(GUCY2D):c.1081G>A (p.Val361Met) variant is predicted to replace the valine at position p.361 with methionine. The computational predictor REVEL gives a score of 0.189, which is below the ClinGen LCA/eoRD VCEP threshold of ≤0.290 and predicts a non-damaging effect on RetGC-1 protein function. In addition, the splicing impact predictor SpliceAI gives a delta score of 0.0, which is below the ClinGen LCA/eoRD VCEP recommended threshold of <0.1 and does not predict an impact on splicing (BP4). This variant is present in gnomAD v.4.1.0 at a Grpmax allele frequency of 0.0005837, with 733 alleles / 1179964 total alleles in the European (non-Finnish) population, which is lower than the ClinGen LCA/eoRD VCEP BS1 threshold of >0.0016 and fails to meet this criterion. This variant is present in gnomAD v.4.1.0 at a total allele frequency of 0.0005085, with 815 alleles / 1602704 total alleles, which is higher than the ClinGen LCA/eoRD VCEP PM2_Supporting threshold of <0.0004 and fails to meet this criterion. In summary, this variant meets the criteria to be classified as Likely Benign for GUCY2D-related recessive retinopathy based on the ACMG/AMP criteria applied, as specified by the ClinGen LCA/eoRD VCEP: BP4. (VCEP specifications version 1.0.0; date of approval 01/22/2025).

PreventionGenetics, part of Exact Sciences
Classification: Likely benign for GUCY2D-related condition. Last evaluated: 2025-11-21. Review status: criteria provided, single submitter. Criteria: ACMG Guidelines, 2015. Collection method: clinical testing. Allele origin: germline. Not counted in ClinVar's aggregate classification.
Comment: This variant is classified as likely benign based on ACMG/AMP sequence variant interpretation guidelines (Richards et al. 2015 PMID: 25741868, with internal and published modifications).

Labcorp Genetics (formerly Invitae), Labcorp
Classification: Uncertain significance for Leber congenital amaurosis 1; Cone-rod dystrophy 6. Last evaluated: 2025-01-13. Review status: criteria provided, single submitter. Criteria: Invitae Variant Classification Sherloc (09022015). Collection method: clinical testing. Allele origin: germline. Not counted in ClinVar's aggregate classification.
Comment: This sequence change replaces valine, which is neutral and non-polar, with methionine, which is neutral and non-polar, at codon 361 of the GUCY2D protein (p.Val361Met). This variant is present in population databases (rs186508466, gnomAD 0.08%). This missense change has been observed in individual(s) with GUCY2D-related conditions (PMID: 32483926). ClinVar contains an entry for this variant (Variation ID: 851209). Invitae Evidence Modeling of protein sequence and biophysical properties (such as structural, functional, and spatial information, amino acid conservation, physicochemical variation, residue mobility, and thermodynamic stability) indicates that this missense variant is not expected to disrupt GUCY2D protein function with a negative predictive value of 80%. In summary, the available evidence is currently insufficient to determine the role of this variant in disease. Therefore, it has been classified as a Variant of Uncertain Significance.

Blueprint Genetics
Classification: Likely benign. Last evaluated: 2024-11-18. Review status: criteria provided, single submitter. Criteria: ACMG Guidelines, 2015. Collection method: clinical testing. Allele origin: germline. Not counted in ClinVar's aggregate classification.

GeneDx
Classification: Uncertain significance. Last evaluated: 2024-01-29. Review status: criteria provided, single submitter. Criteria: GeneDx Variant Classification Process June 2021. Collection method: clinical testing. Allele origin: germline. Affected: yes. Not counted in ClinVar's aggregate classification.
Comment: In silico analysis supports that this missense variant does not alter protein structure/function; This variant is associated with the following publications: (PMID: 32483926, 27834728)

Fulgent Genetics
Classification: Uncertain significance for Leber congenital amaurosis 1; Choroidal dystrophy, central areolar, 1; Cone-rod dystrophy 6; Night blindness, congenital stationary, type1i. Last evaluated: 2021-09-03. Review status: criteria provided, single submitter. Criteria: ACMG Guidelines, 2015. Collection method: clinical testing. Allele origin: unknown. Not counted in ClinVar's aggregate classification.

Department of Pathology and Laboratory Medicine, Sinai Health System
Classification: Uncertain significance for Leber congenital amaurosis 1; Choroidal dystrophy, central areolar, 1; Cone-rod dystrophy 6; Night blindness, congenital stationary, type1i. Last evaluated: 2020-06-24. Review status: criteria provided, single submitter. Criteria: ACMG Guidelines, 2015. Collection method: research. Allele origin: germline. Not counted in ClinVar's aggregate classification.

Literature cited by the submitters: PubMed 32483926 (cited by Labcorp Genetics (formerly Invitae), Labcorp).